The following is an entry in ClinVar:

ClinVar aggregate classification (germline): Uncertain significance (1 of 4 stars; one submission).

Submission:

GeneDx
Classification: Uncertain significance. Last evaluated: 2024-11-06. Review status: criteria provided, single submitter. Criteria: GeneDx Variant Classification Process June 2021. Collection method: clinical testing. Allele origin: germline. Affected: yes.
Comment: Not observed at significant frequency in large population cohorts (gnomAD); In silico analysis supports that this missense variant has a deleterious effect on protein structure/function; Has not been previously published as pathogenic or benign to our knowledge

NM_002816.5(PSMD12):c.29A>T (p.Asp10Val)

Genes: PSMD12 (proteasome 26S subunit, non-ATPase 12; minus strand), LOC130061480 (ATAC-STARR-seq lymphoblastoid active region 12622; plus strand). Cytogenetic location: 17q24.2.
Variant type: single nucleotide variant.
Coding change: c.29A>T on transcript NM_002816.5 (MANE Select); coding-DNA position 29, A replaced by T.
Protein change: p.Asp10Val; replaces aspartic acid 10 with valine.
Molecular consequence: missense variant. On other transcripts: 5 prime UTR variant (1).
Genome position (GRCh38, 1-based): chr17:67,366,491, T>A on the plus strand (A>T on the coding strand, the complement: PSMD12 is on the minus strand). VCF-style: chr17-67366491-T-A. GRCh37 (hg19) VCF-style: chr17-65362607-T-A.
Other names: c.-433A>T (NM_001316341.2); c.29A>T, p.Asp10Val (NM_174871.4); short protein forms D10V.
Identifiers: ClinVar variation 3898920 (VCV003898920.1).